The following is an entry in ClinVar:

NM_007194.4(CHEK2):c.523G>A (p.Val175Ile)

Gene: CHEK2 (checkpoint kinase 2; minus strand). Cytogenetic location: 22q12.1.
Variant type: single nucleotide variant.
Coding change: c.523G>A on transcript NM_007194.4 (MANE Select); coding-DNA position 523, G replaced by A.
Protein change: p.Val175Ile; replaces valine 175 with isoleucine.
Molecular consequence: missense variant. On other transcripts: 5 prime UTR variant (2), intron variant (1).
Genome position (GRCh38, 1-based): chr22:28,725,046, C>T on the plus strand (G>A on the coding strand, the complement: CHEK2 is on the minus strand). VCF-style: chr22-28725046-C-T. GRCh37 (hg19) VCF-style: chr22-29121034-C-T.
Other names: c.652G>A, p.Val218Ile (NM_001005735.3, NM_001438294.1); c.-255G>A (NM_001257387.3); c.-141G>A (NM_001437942.1); c.616G>A, p.Val206Ile (NM_001438293.1, NM_001438295.1); c.523G>A, p.Val175Ile (NM_145862.3); c.445-123G>A (NM_001349956.3); short protein forms V218I, V175I, V206I.
Identifiers: ClinVar variation 2159553 (VCV002159553.1), dbSNP rs2053942160, ClinGen allele CA411107333.

ClinVar aggregate classification (germline): Uncertain significance (1 of 4 stars; one submission).

Conditions:
Familial cancer of breast. Also called: hereditary breast carcinoma; Hereditary breast cancer; BREAST CANCER, FAMILIAL. Identifiers: Orphanet 227535, MedGen C0346153, MONDO:0016419, OMIM 114480. Disease mechanism: loss of function.

Allele frequency attached by ClinVar (database versions not stated): gnomAD exomes below 0.00001.

Submission:

Labcorp Genetics (formerly Invitae), Labcorp
Classification: Uncertain significance for Familial cancer of breast. Last evaluated: 2022-05-28. Review status: criteria provided, single submitter. Criteria: Invitae Variant Classification Sherloc (09022015). Collection method: clinical testing. Allele origin: germline.
Comment: This sequence change replaces valine, which is neutral and non-polar, with isoleucine, which is neutral and non-polar, at codon 175 of the CHEK2 protein (p.Val175Ile). This variant is not present in population databases (gnomAD no frequency). This variant has not been reported in the literature in individuals affected with CHEK2-related conditions. Algorithms developed to predict the effect of missense changes on protein structure and function output the following: SIFT: "Tolerated"; PolyPhen-2: "Benign"; Align-GVGD: "Class C0". The isoleucine amino acid residue is found in multiple mammalian species, which suggests that this missense change does not adversely affect protein function. In summary, the available evidence is currently insufficient to determine the role of this variant in disease. Therefore, it has been classified as a Variant of Uncertain Significance.